The following is an entry in ClinVar:

ClinVar aggregate classification (germline): Uncertain significance (1 of 4 stars; one submission).

Conditions:
Oligodontia-cancer predisposition syndrome. Also called: TOOTH AGENESIS-COLORECTAL CANCER SYNDROME. Identifiers: Orphanet 300576, MedGen C1837750, MONDO:0012075, OMIM 608615. Disease mechanism: loss of function.

Submission:

Labcorp Genetics (formerly Invitae), Labcorp
Classification: Uncertain significance for Oligodontia-cancer predisposition syndrome. Last evaluated: 2022-07-07. Review status: criteria provided, single submitter. Criteria: Invitae Variant Classification Sherloc (09022015). Collection method: clinical testing. Allele origin: germline.
Comment: This variant has not been reported in the literature in individuals affected with AXIN2-related conditions. This sequence change replaces arginine, which is basic and polar, with tryptophan, which is neutral and slightly polar, at codon 101 of the AXIN2 protein (p.Arg101Trp). This variant is not present in population databases (gnomAD no frequency). Algorithms developed to predict the effect of missense changes on protein structure and function (SIFT, PolyPhen-2, Align-GVGD) all suggest that this variant is likely to be disruptive. In summary, the available evidence is currently insufficient to determine the role of this variant in disease. Therefore, it has been classified as a Variant of Uncertain Significance.

NM_004655.4(AXIN2):c.301A>T (p.Arg101Trp)

Gene: AXIN2 (axin 2; minus strand). Cytogenetic location: 17q24.1.
Variant type: single nucleotide variant.
Coding change: c.301A>T on transcript NM_004655.4 (MANE Select); coding-DNA position 301, A replaced by T.
Protein change: p.Arg101Trp; replaces arginine 101 with tryptophan.
Molecular consequence: missense variant.
Genome position (GRCh38, 1-based): chr17:65,558,320, T>A on the plus strand (A>T on the coding strand, the complement: AXIN2 is on the minus strand). VCF-style: chr17-65558320-T-A. GRCh37 (hg19) VCF-style: chr17-63554438-T-A.
Other names: c.301A>T, p.Arg101Trp (NM_001363813.1); short protein forms R101W.
Identifiers: ClinVar variation 2014896 (VCV002014896.4), dbSNP rs2544252578, ClinGen allele CA400681703.